The following is an entry in ClinVar:

ClinVar aggregate classification (germline): Pathogenic (1 of 4 stars; one submission).

Conditions:
Fanconi anemia (FA). Also called: Fanconi's anemia. Identifiers: Orphanet 84, MedGen C0015625, MeSH D005199, MONDO:0019391.

Submission:

Labcorp Genetics (formerly Invitae), Labcorp
Classification: Pathogenic for Fanconi anemia. Last evaluated: 2021-07-01. Review status: criteria provided, single submitter. Criteria: Invitae Variant Classification Sherloc (09022015). Collection method: clinical testing. Allele origin: germline.
Comment: A gross deletion of the genomic region encompassing the full coding sequence of the FANCD2 gene has been identified. Loss-of-function variants in FANCD2 are known to be pathogenic (PMID: 17436244). The boundaries of this event are unknown as they extend beyond the assayed region for this gene and therefore may encompass additional genes. This variant has not been reported in the literature in individuals affected with FANCD2-related conditions. For these reasons, this variant has been classified as Pathogenic.

Literature cited by the submitters: PubMed 17436244.

NC_000003.11:g.(?_10070342)_(10140634_?)del

Genes: FANCD2 (FA complementation group D2; plus strand), FANCD2OS (FANCD2 opposite strand; minus strand). Cytogenetic location: 3p25.3.
Variant type: Deletion.
Identifiers: ClinVar variation 1460433 (VCV001460433.1).